The following is an entry in ClinVar:

GRCh38/hg38 10q21.1(chr10:54316909-54544228)x1

Genes: PCDH15 (protocadherin related 15; minus strand), LOC105378311 (uncharacterized LOC105378311; plus strand). Cytogenetic location: 10q21.1.
Variant type: copy number loss.
Change: copy number 1 (one copy instead of two) of chr10:54,316,909-54,544,228 (227.3 kb, GRCh38 coordinates, 1-based), cytogenetic band 10q21.1.
Identifiers: ClinVar variation 4796466 (VCV004796466.1).

ClinVar aggregate classification (germline): Uncertain significance (1 of 4 stars; one submission).

Submission:

Medical Genetic Center, Changzhi Maternal and Child Health Care Hospital
Classification: Uncertain significance. Last evaluated: 2025-12-10. Review status: criteria provided, single submitter. Criteria: ACMG/ClinGen CNV Guidelines, 2019. Collection method: clinical testing. Allele origin: unknown.